The following is an entry in ClinVar:

NM_001267550.2(TTN):c.34247_34248delinsTC (p.Glu11416Val)

Gene: TTN (titin; minus strand). Cytogenetic location: 2q31.2.
Variant type: Indel.
Coding change: c.34247_34248delinsTC on transcript NM_001267550.2 (MANE Select); coding-DNA positions 34247 to 34248, AA replaced by TC.
Protein change: p.Glu11416Val; replaces glutamic acid 11416 with valine.
Molecular consequence: missense variant. On other transcripts: intron variant (3).
Genome position (GRCh38, 1-based): chr2:178,677,664-178,677,665, TT replaced by GA on the plus strand (AA replaced by TC on the coding strand, the reverse complement: TTN is on the minus strand). VCF-style: chr2-178677664-TT-GA. GRCh37 (hg19) VCF-style: chr2-179542391-TT-GA.
Other names: c.34247_34248delinsTC (NM_001267550.1); c.34247_34248delAAinsTC (NM_001267550.2); c.33296_33297delinsTC, p.Glu11099Val (NM_001256850.1); c.30515_30516delinsTC, p.Glu10172Val (NM_133378.4); c.13283-35348_13283-35347delinsTC (NM_003319.4); c.13859-35348_13859-35347delinsTC (NM_133437.4); c.13658-35348_13658-35347delinsTC (NM_133432.3); short protein forms E10172V, E11099V, E11416V.
Identifiers: ClinVar variation 404671 (VCV000404671.6), dbSNP rs1060500408, ClinGen allele CA16610430.

ClinVar aggregate classification (germline): Uncertain significance. Review status: criteria provided, multiple submitters, no conflicts (2 of 4 stars). 3 submissions from 3 submitters: Uncertain significance (3). Last evaluated 2026-10-15.

Conditions:
Myopathy, myofibrillar, 9, with early respiratory failure (MFM9). Also called: Hereditary myopathy with early respiratory failure; Myopathy, distal, with early respiratory failure, autosomal dominant; EDSTROM MYOPATHY; MYOPATHY, PROXIMAL, WITH EARLY RESPIRATORY MUSCLE INVOLVEMENT. Identifiers: Orphanet 178464, Orphanet 34521, MedGen C1863599, MONDO:0011362, OMIM 603689.
Hypertrophic cardiomyopathy 9. Also called: Familial hypertrophic cardiomyopathy 9. Identifiers: MedGen C1861065, MONDO:0013412, OMIM 613765.
Early-onset myopathy with fatal cardiomyopathy (CMYO5). Also called: Salih Myopathy; CONGENITAL MYOPATHY 5 WITH CARDIOMYOPATHY. Identifiers: Orphanet 289377, MedGen C2673677, MONDO:0012714, OMIM 611705. Disease mechanism: loss of function.
Dilated cardiomyopathy 1G (CMD1G). Identifiers: Orphanet 154, MedGen C1858763, MONDO:0011400, OMIM 604145.
Tibial muscular dystrophy (TMD). Also called: UDD MYOPATHY; Tibial muscular dystrophy, tardive; Udd Distal Myopathy – Tibial Muscular Dystrophy. Identifiers: Orphanet 609, MedGen C1838244, MONDO:0010870, OMIM 600334.
Autosomal recessive limb-girdle muscular dystrophy type 2J (LGMDR10). Also called: Limb-girdle muscular dystrophy, type 2J; MUSCULAR DYSTROPHY, LIMB-GIRDLE, AUTOSOMAL RECESSIVE 10. Identifiers: Orphanet 140922, MedGen C1837342, MONDO:0012127, OMIM 608807.

Submissions (3):

GeneDx
Classification: Uncertain significance. Last evaluated: 2026-10-15. Review status: criteria provided, single submitter. Criteria: GeneDx Variant Classification Process June 2021. Collection method: clinical testing. Allele origin: germline.
Comment: Not observed at significant frequency in large population cohorts (gnomAD); In-frame variant in a gene for which most reported pathogenic variants are truncating/loss of function; Has not been previously published as pathogenic or benign to our knowledge

Fulgent Genetics
Classification: Uncertain significance for Tibial muscular dystrophy; Myopathy, myofibrillar, 9, with early respiratory failure; Dilated cardiomyopathy 1G; Autosomal recessive limb-girdle muscular dystrophy type 2J; Early-onset myopathy with fatal cardiomyopathy; Hypertrophic cardiomyopathy 9. Last evaluated: 2024-04-24. Review status: criteria provided, single submitter. Criteria: ACMG Guidelines, 2015. Collection method: clinical testing. Allele origin: germline.

Labcorp Genetics (formerly Invitae), Labcorp
Classification: Uncertain significance for Dilated cardiomyopathy 1G; Autosomal recessive limb-girdle muscular dystrophy type 2J. Last evaluated: 2016-10-08. Review status: criteria provided, single submitter. Criteria: Invitae Variant Classification Sherloc (09022015). Collection method: clinical testing. Allele origin: germline.